The following is an entry in ClinVar:

NM_130849.4(SLC39A4):c.1475-2A>G

Gene: SLC39A4 (solute carrier family 39 member 4; minus strand). Cytogenetic location: 8q24.3.
Variant type: single nucleotide variant.
Coding change: c.1475-2A>G on transcript NM_130849.4 (MANE Select); the canonical splice acceptor site of the intron before coding-DNA position 1475, A replaced by G.
Molecular consequence: splice acceptor variant.
Genome position (GRCh38, 1-based): chr8:144,413,391, T>C on the plus strand (A>G on the coding strand, the complement: SLC39A4 is on the minus strand). VCF-style: chr8-144413391-T-C. GRCh37 (hg19) VCF-style: chr8-145638775-T-C.
Other names: c.1193-2A>G (NM_001374839.1); c.1400-2A>G (NM_017767.3); c.-20-2A>G (NM_001280557.2).
Identifiers: ClinVar variation 2757666 (VCV002757666.3), dbSNP rs2537428181, ClinGen allele CA372618808.
Genomic context (GRCh38, chr8:144,413,391, plus strand): 5'-GTCGGCGAAGTTGTGCACGGCGTCGCCCAGAGTGATCATATAGGGCAGTAGCCTCAACTC[T>C]GCGGGCGCAGAGGCCCGTGGGTTCGCGTGGCCTGTCGCCTACCGCCAAGCCTTGGGCCCC-3'

ClinVar aggregate classification (germline): Likely pathogenic (1 of 4 stars; one submission).

Submission:

Labcorp Genetics (formerly Invitae), Labcorp
Classification: Likely pathogenic. Last evaluated: 2023-12-30. Review status: criteria provided, single submitter. Criteria: Invitae Variant Classification Sherloc (09022015). Collection method: clinical testing. Allele origin: germline.
Comment: This sequence change affects an acceptor splice site in intron 9 of the SLC39A4 gene. It is expected to disrupt RNA splicing. Variants that disrupt the donor or acceptor splice site typically lead to a loss of protein function (PMID: 16199547), and loss-of-function variants in SLC39A4 are known to be pathogenic (PMID: 12955721). This variant is not present in population databases (gnomAD no frequency). This variant has not been reported in the literature in individuals affected with SLC39A4-related conditions. Algorithms developed to predict the effect of sequence changes on RNA splicing suggest that this variant may disrupt the consensus splice site. In summary, the currently available evidence indicates that the variant is pathogenic, but additional data are needed to prove that conclusively. Therefore, this variant has been classified as Likely Pathogenic.

Literature cited by the submitters: PubMed 16199547; PubMed 12955721.